The following is an entry in ClinVar:

ClinVar aggregate classification (germline): Uncertain significance (1 of 4 stars; one submission).

Conditions:
Inborn genetic diseases. Identifiers: MedGen C0950123, MeSH D030342.

Submission:

Ambry Genetics
Classification: Uncertain significance for Inborn genetic diseases. Last evaluated: 2026-04-04. Review status: criteria provided, single submitter. Criteria: Ambry Variant Classification Scheme 2023. Collection method: clinical testing. Allele origin: germline.
Comment: The p.T1415I variant (also known as c.4244C>T), located in coding exon 30 of the ANKRD26 gene, results from a C to T substitution at nucleotide position 4244. The threonine at codon 1415 is replaced by isoleucine, an amino acid with similar properties. This amino acid position is conserved. In addition, this alteration is predicted to be tolerated by in silico analysis. Based on the available evidence, the clinical significance of this variant remains unclear.

NM_014915.3(ANKRD26):c.4244C>T (p.Thr1415Ile)

Gene: ANKRD26 (ankyrin repeat domain 26; minus strand). Cytogenetic location: 10p12.1.
Variant type: single nucleotide variant.
Coding change: c.4244C>T on transcript NM_014915.3 (MANE Select); coding-DNA position 4244, C replaced by T.
Protein change: p.Thr1415Ile; replaces threonine 1415 with isoleucine.
Molecular consequence: missense variant.
Genome position (GRCh38, 1-based): chr10:27,017,764, G>A on the plus strand (C>T on the coding strand, the complement: ANKRD26 is on the minus strand). VCF-style: chr10-27017764-G-A. GRCh37 (hg19) VCF-style: chr10-27306693-G-A.
Other names: c.4241C>T, p.Thr1414Ile (NM_001256053.2); short protein forms T1414I, T1415I.
Identifiers: ClinVar variation 4859230 (VCV004859230.1).
Genomic context (GRCh38, chr10:27,017,764, plus strand): 5'-AACAACTCCTCTTGAAGAATTTGGTTCTTTGTATCCAGATGTAGACATTTTGAACCTGCA[G>A]TCTCCAGTTCTGCTGTAAGATCATCAATCTGAATGAAGACAATAATATAGTGTAATAATG-3'
Protein context (NP_055730.2, residues 1405-1425): KIDDLTAELE[Thr1415Ile]AGSKCLHLDT